The following is an entry in ClinVar:

ClinVar aggregate classification (germline): Likely pathogenic (1 of 4 stars; one submission).

Conditions:
Aicardi-Goutieres syndrome 5. Identifiers: Orphanet 51, MedGen C2749659, MONDO:0013059, OMIM 612952.

Submission:

Labcorp Genetics (formerly Invitae), Labcorp
Classification: Likely pathogenic for Aicardi-Goutieres syndrome 5. Last evaluated: 2020-03-19. Review status: criteria provided, single submitter. Criteria: Invitae Variant Classification Sherloc (09022015). Collection method: clinical testing. Allele origin: germline.
Comment: This variant has not been reported in the literature in individuals with SAMHD1-related conditions. This variant is not present in population databases (ExAC no frequency). This sequence change affects a donor splice site in intron 8 of the SAMHD1 gene. It is expected to disrupt RNA splicing and likely results in an absent or disrupted protein product. In summary, the currently available evidence indicates that the variant is pathogenic, but additional data are needed to prove that conclusively. Therefore, this variant has been classified as Likely Pathogenic. Donor and acceptor splice site variants typically lead to a loss of protein function (PMID: 16199547), and loss-of-function variants in SAMHD1 are known to be pathogenic (PMID: 19525956, 22461318). Algorithms developed to predict the effect of sequence changes on RNA splicing suggest that this variant may disrupt the consensus splice site, but this prediction has not been confirmed by published transcriptional studies.

Literature cited by the submitters: PubMed 16199547; PubMed 19525956; PubMed 22461318.

NM_015474.4(SAMHD1):c.953+1G>A

Gene: SAMHD1 (SAM and HD domain containing deoxynucleoside triphosphate triphosphohydrolase 1; minus strand). Cytogenetic location: 20q11.23.
Variant type: single nucleotide variant.
Coding change: c.953+1G>A on transcript NM_015474.4 (MANE Select); the canonical splice donor site of the intron after coding-DNA position 953, G replaced by A.
Molecular consequence: splice donor variant.
Genome position (GRCh38, 1-based): chr20:36,916,948, C>T on the plus strand (G>A on the coding strand, the complement: SAMHD1 is on the minus strand). VCF-style: chr20-36916948-C-T. GRCh37 (hg19) VCF-style: chr20-35545351-C-T.
Other names: c.953+1G>A (NM_001363729.2, NM_001363733.2).
Identifiers: ClinVar variation 1066990 (VCV001066990.7), dbSNP rs2146117027, ClinGen allele CA408845311.
Genomic context (GRCh38, chr20:36,916,948, plus strand): 5'-ATAGTAATACTAAATTTATATAAATATTTTAGCCAACTTTTCAGAAGTGTTCAGTGCATA[C>T]CTGGCAAAATAATCCCATTTGTCCACATCAATGCCATTTCTTTTATTAGATACTATCTCA-3'